The following is an entry in ClinVar:

NM_020884.7(MYH7B):c.1930A>G (p.Lys644Glu)

Gene: MYH7B (myosin heavy chain 7B; plus strand). Cytogenetic location: 20q11.22.
Variant type: single nucleotide variant.
Coding change: c.1930A>G on transcript NM_020884.7 (MANE Select); coding-DNA position 1930, A replaced by G.
Protein change: p.Lys644Glu; replaces lysine 644 with glutamic acid.
Molecular consequence: missense variant.
Genome position (GRCh38, 1-based): chr20:34,990,263, A>G. VCF-style: chr20-34990263-A-G. GRCh37 (hg19) VCF-style: chr20-33578066-A-G.
Other names: short protein forms K644E.
Identifiers: ClinVar variation 4780994 (VCV004780994.1).
Genomic context (GRCh38, chr20:34,990,263, plus strand): 5'-CTGGAGTGACCAGGCCCCTTGTCTCTATTAGCTGAGCCCCCCAAGTCTGGGGTGAAAGAG[A>G]AGCGTAAGAAGGCAGCATCGTTCCAGACGGTGTCCCAGCTGCACAAGGTAAGGCCCCATC-3'
Protein context (NP_065935.4, residues 634-654): TEPPKSGVKE[Lys644Glu]RKKAASFQTV

ClinVar aggregate classification (germline): Uncertain significance (1 of 4 stars; one submission).

gnomAD v4.1: 11 of 1,614,096 alleles (0.00068%); highest among the groups gnomAD compares: Non-Finnish European, 0.00093%; no homozygotes.

Submission:

Labcorp Genetics (formerly Invitae), Labcorp
Classification: Uncertain significance. Last evaluated: 2025-12-01. Review status: criteria provided, single submitter. Criteria: Invitae Variant Classification Sherloc (09022015). Collection method: clinical testing. Allele origin: germline.
Comment: This sequence change replaces lysine, which is basic and polar, with glutamic acid, which is acidic and polar, at codon 686 of the MYH7B protein (p.Lys686Glu). This variant is present in population databases (no rsID available, gnomAD 0.0009%). This variant has not been reported in the literature in individuals affected with MYH7B-related conditions. Invitae Evidence Modeling of protein sequence and biophysical properties (such as structural, functional, and spatial information, amino acid conservation, physicochemical variation, residue mobility, and thermodynamic stability) indicates that this missense variant is not expected to disrupt MYH7B protein function with a negative predictive value of 80%. In summary, the available evidence is currently insufficient to determine the role of this variant in disease. Therefore, it has been classified as a Variant of Uncertain Significance.